The following is an entry in ClinVar:

ClinVar aggregate classification (germline): Uncertain significance (1 of 4 stars; one submission).

Conditions:
Inborn genetic diseases. Identifiers: MedGen C0950123, MeSH D030342.

Submission:

Ambry Genetics
Classification: Uncertain significance for Inborn genetic diseases. Last evaluated: 2023-09-16. Review status: criteria provided, single submitter. Criteria: Ambry Variant Classification Scheme 2023. Collection method: clinical testing. Allele origin: germline.
Comment: The p.L927F variant (also known as c.2779C>T), located in coding exon 21 of the BUB1B gene, results from a C to T substitution at nucleotide position 2779. The leucine at codon 927 is replaced by phenylalanine, an amino acid with highly similar properties. This amino acid position is conserved. In addition, this alteration is predicted to be tolerated by in silico analysis. Since supporting evidence is limited at this time, the clinical significance of this alteration remains unclear.

NM_001211.6(BUB1B):c.2779C>T (p.Leu927Phe)

Genes: BUB1B (BUB1 mitotic checkpoint serine/threonine kinase B; plus strand), BUB1B-PAK6 (BUB1B-PAK6 readthrough; plus strand). Cytogenetic location: 15q15.1.
Variant type: single nucleotide variant.
Coding change: c.2779C>T on transcript NM_001211.6 (MANE Select); coding-DNA position 2779, C replaced by T.
Protein change: p.Leu927Phe; replaces leucine 927 with phenylalanine.
Molecular consequence: missense variant. On other transcripts: 5 prime UTR variant (2).
Genome position (GRCh38, 1-based): chr15:40,217,596, C>T. VCF-style: chr15-40217596-C-T. GRCh37 (hg19) VCF-style: chr15-40509797-C-T.
Other names: c.-272C>T (NM_001128628.3); c.-189C>T (NM_001128629.3); short protein forms L927F.
Identifiers: ClinVar variation 3221407 (VCV003221407.1), dbSNP rs2542584899, ClinGen allele CA391687944.
Genomic context (GRCh38, chr15:40,217,596, plus strand): 5'-TTGAAGATAGTGGACTTTTCCTACAGTGTTGACCTTAGGGTGCAGCTGGATGTTTTTACC[C>T]TCAGCGGCTTTCGGACTGTACAGATCCTGGAAGGACAAAAGATCCTGGCTAACTGTTCTT-3'
Protein context (NP_001202.5, residues 917-937): DLRVQLDVFT[Leu927Phe]SGFRTVQILE